The following is an entry in ClinVar:

NM_000548.5(TSC2):c.1258-12T>G

Gene: TSC2 (TSC complex subunit 2; plus strand). Cytogenetic location: 16p13.3.
Variant type: single nucleotide variant.
Coding change: c.1258-12T>G on transcript NM_000548.5 (MANE Select); 12 bases into the intron before coding-DNA position 1258, T replaced by G.
Molecular consequence: intron variant.
Genome position (GRCh38, 1-based): chr16:2,062,485, T>G. VCF-style: chr16-2062485-T-G. GRCh37 (hg19) VCF-style: chr16-2112486-T-G.
Other names: c.-87-12T>G (NM_001406693.1, NM_001406689.1, NM_001406690.1 and 4 more transcripts); c.1348-12T>G (NM_001406667.1, NM_001406668.1); c.658-12T>G (NM_001406680.1, NM_001406683.1, NM_001406687.1 and 6 more transcripts); c.-263-12T>G (NM_001406698.1); c.1258-12T>G (NM_001114382.3, NM_001406663.1, NM_001406664.1 and 6 more transcripts); c.-55-44T>G (NM_001406694.1, NM_001406695.1); c.1246-12T>G (NM_001406671.1, NM_001406673.1); c.796-12T>G (NM_001406681.1); and 4 more.
Identifiers: ClinVar variation 4797897 (VCV004797897.1).
Genomic context (GRCh38, chr16:2,062,485, plus strand): 5'-GACCAGCAGCCCAGTGTGGAGAAGGAGAGCGCCGGAGGGGCAGAGGGGCAACACCGGCTC[T>G]TCTTTTGACAGGAGTCCTCCCTCCTGAACCTGATCTCCTATAGAGCGCAGTCCATCCACC-3'

ClinVar aggregate classification (germline): Uncertain significance (1 of 4 stars; one submission).

Conditions:
Tuberous sclerosis 2 (TSC2). Identifiers: Orphanet 805, MedGen C1860707, MONDO:0013199, OMIM 613254.

Submission:

Labcorp Genetics (formerly Invitae), Labcorp
Classification: Uncertain significance for Tuberous sclerosis 2. Last evaluated: 2025-02-25. Review status: criteria provided, single submitter. Criteria: Invitae Variant Classification Sherloc (09022015). Collection method: clinical testing. Allele origin: germline.
Comment: This sequence change falls in intron 12 of the TSC2 gene. It does not directly change the encoded amino acid sequence of the TSC2 protein. This variant is not present in population databases (gnomAD no frequency). This variant has not been reported in the literature in individuals affected with TSC2-related conditions. Algorithms developed to predict the effect of sequence changes on RNA splicing suggest that this variant may create or strengthen a splice site. In summary, the available evidence is currently insufficient to determine the role of this variant in disease. Therefore, it has been classified as a Variant of Uncertain Significance.